The following is an entry in ClinVar:

NM_015047.3(EMC1):c.2149G>T (p.Glu717Ter)

Genes: EMC1 (ER membrane protein complex subunit 1; minus strand), EMC1-AS1 (EMC1 antisense RNA 1; plus strand). Cytogenetic location: 1p36.13.
Variant type: single nucleotide variant.
Coding change: c.2149G>T on transcript NM_015047.3 (MANE Select); coding-DNA position 2149, G replaced by T.
Protein change: p.Glu717Ter; replaces glutamic acid 717 with a stop codon.
Molecular consequence: nonsense.
Genome position (GRCh38, 1-based): chr1:19,227,366, C>A on the plus strand (G>T on the coding strand, the complement: EMC1 is on the minus strand). VCF-style: chr1-19227366-C-A. GRCh37 (hg19) VCF-style: chr1-19553860-C-A.
Other names: c.2146G>T, p.Glu716Ter (NM_001271427.2, NM_001271428.2); c.2083G>T, p.Glu695Ter (NM_001271429.2); c.2158G>T, p.Glu720Ter (NM_001375820.1); c.2155G>T, p.Glu719Ter (NM_001375821.1); short protein forms E695*, E716*, E720*, E717*, E719*.
Identifiers: ClinVar variation 4776793 (VCV004776793.1).

ClinVar aggregate classification (germline): Pathogenic (1 of 4 stars; one submission).

gnomAD v4.1: 1 of 1,614,118 alleles (0.000062%); highest among the groups gnomAD compares: Non-Finnish European, 0.000085%; no homozygotes.

Submission:

Labcorp Genetics (formerly Invitae), Labcorp
Classification: Pathogenic. Last evaluated: 2025-03-04. Review status: criteria provided, single submitter. Criteria: Invitae Variant Classification Sherloc (09022015). Collection method: clinical testing. Allele origin: germline.
Comment: This sequence change creates a premature translational stop signal (p.Glu717*) in the EMC1 gene. It is expected to result in an absent or disrupted protein product. Loss-of-function variants in EMC1 are known to be pathogenic (PMID: 26572623, 26942288, 29271071). This variant is not present in population databases (gnomAD no frequency). This variant has not been reported in the literature in individuals affected with EMC1-related conditions. Algorithms developed to predict the effect of sequence changes on RNA splicing suggest that this variant may disrupt the consensus splice site. For these reasons, this variant has been classified as Pathogenic.

Literature cited by the submitters: PubMed 26572623; PubMed 26942288; PubMed 29271071.